The following is an entry in ClinVar:

NM_003896.4(ST3GAL5):c.661A>G (p.Arg221Gly)

Gene: ST3GAL5 (ST3 beta-galactoside alpha-2,3-sialyltransferase 5; minus strand). Cytogenetic location: 2p11.2.
Variant type: single nucleotide variant.
Coding change: c.661A>G on transcript NM_003896.4 (MANE Select); coding-DNA position 661, A replaced by G.
Protein change: p.Arg221Gly; replaces arginine 221 with glycine.
Molecular consequence: missense variant. On other transcripts: 5 prime UTR variant (1).
Genome position (GRCh38, 1-based): chr2:85,847,862, T>C on the plus strand (A>G on the coding strand, the complement: ST3GAL5 is on the minus strand). VCF-style: chr2-85847862-T-C. GRCh37 (hg19) VCF-style: chr2-86074985-T-C.
Other names: c.592A>G, p.Arg198Gly (NM_001042437.2); c.277A>G, p.Arg93Gly (NM_001354223.2, NM_001354224.2, NM_001354226.2 and 3 more transcripts); c.577A>G, p.Arg193Gly (NM_001354227.2, NM_001354229.2, NM_001354238.1); c.-244A>G (NM_001354247.1); c.661A>G, p.Arg221Gly (NM_001363847.1); short protein forms R93G, R221G, R193G, R198G.
Identifiers: ClinVar variation 3673469 (VCV003673469.2).

ClinVar aggregate classification (germline): Uncertain significance (1 of 4 stars; one submission).

Conditions:
GM3 synthase deficiency (SPDRS). Also called: SALT AND PEPPER DEVELOPMENTAL REGRESSION SYNDROME; AMISH INFANTILE EPILEPSY SYNDROME; SALT AND PEPPER MENTAL RETARDATION SYNDROME. Identifiers: Orphanet 171714, Orphanet 370933, MedGen C1836824, MONDO:0018274, OMIM 609056.

gnomAD v4.1: 1 of 1,613,732 alleles (0.000062%); highest among the groups gnomAD compares: Non-Finnish European, 0.000085%; no homozygotes.

Submission:

Labcorp Genetics (formerly Invitae), Labcorp
Classification: Uncertain significance for GM3 synthase deficiency. Last evaluated: 2024-10-15. Review status: criteria provided, single submitter. Criteria: Invitae Variant Classification Sherloc (09022015). Collection method: clinical testing. Allele origin: germline.
Comment: This sequence change replaces arginine, which is basic and polar, with glycine, which is neutral and non-polar, at codon 221 of the ST3GAL5 protein (p.Arg221Gly). This variant is not present in population databases (gnomAD no frequency). This variant has not been reported in the literature in individuals affected with ST3GAL5-related conditions. Invitae Evidence Modeling of protein sequence and biophysical properties (such as structural, functional, and spatial information, amino acid conservation, physicochemical variation, residue mobility, and thermodynamic stability) indicates that this missense variant is expected to disrupt ST3GAL5 protein function with a positive predictive value of 95%. In summary, the available evidence is currently insufficient to determine the role of this variant in disease. Therefore, it has been classified as a Variant of Uncertain Significance.